The following is an entry in ClinVar:

ClinVar aggregate classification (germline): Likely benign. Review status: criteria provided, multiple submitters, no conflicts (2 of 4 stars). 2 submissions from 2 submitters: Likely benign (2). Last evaluated 2024-07-30.

Conditions:
Wilson disease (WND). Also called: Wilson's disease. Identifiers: Orphanet 905, MedGen C0019202, MONDO:0010200, OMIM 277900. Disease mechanism: loss of function.

Allele frequency attached by ClinVar (database versions not stated): gnomAD exomes below 0.00001.
gnomAD v4.1: 2 of 1,614,000 alleles (0.00012%); highest among the groups gnomAD compares: Non-Finnish European, 0.00017%; no homozygotes.

Submissions (2):

Labcorp Genetics (formerly Invitae), Labcorp
Classification: Likely benign for Wilson disease. Last evaluated: 2024-07-30. Review status: criteria provided, single submitter. Criteria: Invitae Variant Classification Sherloc (09022015). Collection method: clinical testing. Allele origin: germline.

All of Us Research Program, National Institutes of Health
Classification: Likely benign for Wilson disease. Last evaluated: 2023-10-02. Review status: criteria provided, single submitter. Criteria: ACMG Guidelines, 2015. Collection method: clinical testing. Allele origin: germline. Inheritance: Autosomal recessive inheritance. Observed: 1 variant allele, 1 heterozygote.
Comment: This study involves interpretation of variants in research participants for the purpose of population health screening. Participant phenotype was not available at the time of variant classification. Additional details can be found in publication PMID: 35346344, PMCID: PMC8962531

NM_000053.4(ATP7B):c.2088T>C (p.Asn696=)

Gene: ATP7B (ATPase copper transporting beta; minus strand). Cytogenetic location: 13q14.3.
Variant type: single nucleotide variant.
Coding change: c.2088T>C on transcript NM_000053.4 (MANE Select); coding-DNA position 2088, T replaced by C.
Protein change: p.Asn696=; no amino-acid change (asparagine 696 retained).
Molecular consequence: synonymous variant. On other transcripts: intron variant (2).
Genome position (GRCh38, 1-based): chr13:51,960,181, A>G on the plus strand (T>C on the coding strand, the complement: ATP7B is on the minus strand). VCF-style: chr13-51960181-A-G. GRCh37 (hg19) VCF-style: chr13-52534317-A-G.
Other names: c.1755T>C, p.Asn585= (NM_001243182.2); c.2088T>C, p.Asn696= (NM_001330578.2); c.1870-2574T>C (NM_001005918.3); c.1870-1637T>C (NM_001330579.2).
Identifiers: ClinVar variation 1569333 (VCV001569333.9), dbSNP rs2139604066, ClinGen allele CA483896313.